The following is an entry in ClinVar:

ClinVar aggregate classification (germline): Uncertain significance. Review status: criteria provided, multiple submitters, no conflicts (2 of 4 stars). 3 submissions from 3 submitters: Uncertain significance (2). 1 of the submissions does not count toward it. Last evaluated 2025-10-05.

Conditions:
Cardiomyopathy (CMYO). Also called: Cardiomyopathies. Identifiers: Orphanet 167848, MedGen C0878544, MONDO:0004994, HP:0001638. Inheritance: Various modes of inheritance.
Arrhythmogenic cardiomyopathy with wooly hair and keratoderma. Also called: Dilated cardiomyopathy with woolly hair and keratoderma; Arrhythmogenic cardiomyopathy with woolly hair and keratoderma; PALMOPLANTAR KERATODERMA WITH LEFT VENTRICULAR CARDIOMYOPATHY AND WOOLLY HAIR; Carvajal syndrome. Identifiers: Orphanet 65282, MedGen C1854063, MONDO:0011581, OMIM 605676.

Allele frequency attached by ClinVar (database versions not stated): gnomAD exomes below 0.00001; TOPMed 0.00001.
gnomAD v4.1: 2 of 1,614,162 alleles (0.00012%); highest among the groups gnomAD compares: East Asian, 0.0022%; no homozygotes.

Submissions (3):

Color Diagnostics, LLC DBA Color Health
Classification: Uncertain significance for Cardiomyopathy. Last evaluated: 2025-10-05. Review status: criteria provided, single submitter. Criteria: ACMG Guidelines, 2015. Collection method: clinical testing. Allele origin: germline.
Comment: This missense variant replaces glutamic acid with lysine at codon 1386 of the DSP protein. Computational prediction suggests that this variant may not impact protein structure and function. To our knowledge, functional studies have not been reported for this variant. This variant has not been reported in individuals affected with DSP-related disorders in the literature. This variant has been identified in 1/251288 chromosomes in the general population by the Genome Aggregation Database (gnomAD). The available evidence is insufficient to determine the role of this variant in disease conclusively. Therefore, this variant is classified as a Variant of Uncertain Significance.

All of Us Research Program, National Institutes of Health
Classification: Uncertain significance for Arrhythmogenic cardiomyopathy with wooly hair and keratoderma. Last evaluated: 2023-11-20. Review status: criteria provided, single submitter. Criteria: ACMG Guidelines, 2015. Collection method: clinical testing. Allele origin: germline. Inheritance: Autosomal dominant inheritance. Observed: 2 variant alleles, 2 heterozygotes.
Comment: This missense variant replaces glutamic acid with lysine at codon 1386 of the DSP protein. Computational prediction suggests that this variant may not impact protein structure and function (internally defined REVEL score threshold <= 0.5, PMID: 27666373). To our knowledge, functional studies have not been reported for this variant. This variant has not been reported in individuals affected with DSP-related disorders in the literature. This variant has been identified in 1/251288 chromosomes in the general population by the Genome Aggregation Database (gnomAD). The available evidence is insufficient to determine the role of this variant in disease conclusively. Therefore, this variant is classified as a Variant of Uncertain Significance.

This study involves interpretation of variants in research participants for the purpose of population health screening. Participant phenotype was not available at the time of variant classification. Additional details can be found in publication PMID: 35346344, PMCID: PMC8962531

Laboratory for Molecular Medicine, Mass General Brigham Personalized Medicine
Classification: Uncertain significance. Last evaluated: 2008-11-05. Review status: no assertion criteria provided. Collection method: clinical testing. Allele origin: germline. Observed: 1 variant allele. Not counted in ClinVar's aggregate classification.

NM_004415.4(DSP):c.4156G>A (p.Glu1386Lys)

Gene: DSP (desmoplakin; plus strand). Cytogenetic location: 6p24.3.
Variant type: single nucleotide variant.
Coding change: c.4156G>A on transcript NM_004415.4 (MANE Select); coding-DNA position 4156, G replaced by A.
Protein change: p.Glu1386Lys; replaces glutamic acid 1386 with lysine.
Molecular consequence: missense variant. On other transcripts: intron variant (2).
Genome position (GRCh38, 1-based): chr6:7,580,346, G>A. VCF-style: chr6-7580346-G-A. GRCh37 (hg19) VCF-style: chr6-7580579-G-A.
Other names: c.4050+106G>A (NM_001319034.2); c.3582+574G>A (NM_001008844.3); short protein forms E1386K.
Identifiers: ClinVar variation 44901 (VCV000044901.6), dbSNP rs397516935, ClinGen allele CA004386.
Genomic context (GRCh38, chr6:7,580,346, plus strand): 5'-TTTGAGACCGAGATCAACATCACCAAGACCACCATCCACCAGCTCACCATGCAGAAGGAA[G>A]AGGATACCAGTGGCTACCGGGCTCAGATAGACAATCTCACCCGAGAAAACAGGAGCTTAT-3'
Protein context (NP_004406.2, residues 1376-1396): TIHQLTMQKE[Glu1386Lys]DTSGYRAQID